The following is an entry in ClinVar:

NM_004526.4(MCM2):c.413A>G (p.Asp138Gly)

Gene: MCM2 (minichromosome maintenance complex component 2; plus strand). Cytogenetic location: 3q21.3.
Variant type: single nucleotide variant.
Coding change: c.413A>G on transcript NM_004526.4 (MANE Select); coding-DNA position 413, A replaced by G.
Protein change: p.Asp138Gly; replaces aspartic acid 138 with glycine.
Molecular consequence: missense variant. On other transcripts: non-coding transcript variant (1).
Genome position (GRCh38, 1-based): chr3:127,604,896, A>G. VCF-style: chr3-127604896-A-G. GRCh37 (hg19) VCF-style: chr3-127323739-A-G.
Other names: c.413A>G (NM_004526.2); short protein forms D138G.
Identifiers: ClinVar variation 2075971 (VCV002075971.5), dbSNP rs757022426, ClinGen allele CA2595575.

ClinVar aggregate classification (germline): Uncertain significance. Review status: criteria provided, multiple submitters, no conflicts (2 of 4 stars). 2 submissions from 2 submitters: Uncertain significance (2). Last evaluated 2025-08-31.

Allele frequency attached by ClinVar (database versions not stated): gnomAD exomes 0.00001; TOPMed 0.00003; ExAC 0.00003; gnomAD 0.00001.

Submissions (2):

Ambry Genetics
Classification: Uncertain significance. Last evaluated: 2025-08-31. Review status: criteria provided, single submitter. Criteria: Ambry Variant Classification Scheme 2023. Collection method: clinical testing. Allele origin: germline.

Labcorp Genetics (formerly Invitae), Labcorp
Classification: Uncertain significance. Last evaluated: 2024-12-02. Review status: criteria provided, single submitter. Criteria: Invitae Variant Classification Sherloc (09022015). Collection method: clinical testing. Allele origin: germline.
Comment: This sequence change replaces aspartic acid, which is acidic and polar, with glycine, which is neutral and non-polar, at codon 138 of the MCM2 protein (p.Asp138Gly). This variant is present in population databases (rs757022426, gnomAD 0.02%). This variant has not been reported in the literature in individuals affected with MCM2-related conditions. ClinVar contains an entry for this variant (Variation ID: 2075971). An algorithm developed to predict the effect of missense changes on protein structure and function (PolyPhen-2) suggests that this variant is likely to be tolerated. In summary, the available evidence is currently insufficient to determine the role of this variant in disease. Therefore, it has been classified as a Variant of Uncertain Significance.